The following is an entry in ClinVar:

NM_004239.4(TRIP11):c.824-126T>G

Gene: TRIP11 (thyroid hormone receptor interactor 11; minus strand). Cytogenetic location: 14q32.12.
Variant type: single nucleotide variant.
Coding change: c.824-126T>G on transcript NM_004239.4 (MANE Select); 126 bases into the intron before coding-DNA position 824, T replaced by G.
Molecular consequence: intron variant.
Genome position (GRCh38, 1-based): chr14:92,014,703, A>C on the plus strand (T>G on the coding strand, the complement: TRIP11 is on the minus strand). VCF-style: chr14-92014703-A-C. GRCh37 (hg19) VCF-style: chr14-92481047-A-C.
Other names: c.821-126T>G (NM_001321851.1).
Identifiers: ClinVar variation 667783 (VCV000667783.1), dbSNP rs11160036, ClinGen allele CA14055829.

ClinVar aggregate classification (germline): Benign (1 of 4 stars; one submission).

Allele frequency attached by ClinVar (database versions not stated): TOPMed 0.22465; gnomAD 0.22814; 1000 Genomes Project 30x 0.23720; 1000 Genomes Project 0.24161; gnomAD exomes 0.24962.
gnomAD v4.1: 243,136 of 985,612 alleles (25%); highest among the groups gnomAD compares: East Asian, 38%; 31,267 homozygotes.

Submission:

GeneDx
Classification: Benign. Last evaluated: 2018-06-14. Review status: criteria provided, single submitter. Criteria: GeneDx Variant Classification (06012015). Collection method: clinical testing. Allele origin: germline. Affected: yes.
Comment: This variant is considered likely benign or benign based on one or more of the following criteria: it is a conservative change, it occurs at a poorly conserved position in the protein, it is predicted to be benign by multiple in silico algorithms, and/or has population frequency not consistent with disease.